The following is an entry in ClinVar:

ClinVar aggregate classification (germline): Benign/Likely benign. Review status: criteria provided, multiple submitters, no conflicts (2 of 4 stars). 3 submissions from 3 submitters: Benign (2); Likely benign (1). Last evaluated 2026-01-02.

Allele frequency attached by ClinVar (database versions not stated): gnomAD exomes 0.00039; gnomAD 0.00425 and 0.00455; TOPMed 0.00450; 1000 Genomes Project 0.00499; ESP Exome Variant Server 0.00527; 1000 Genomes Project 30x 0.00578.
gnomAD v4.1: 1,233 of 1,613,942 alleles (0.076%); highest among the groups gnomAD compares: African/African-American, 1.5%; 11 homozygotes.

Submissions (3):

Labcorp Genetics (formerly Invitae), Labcorp
Classification: Benign. Last evaluated: 2026-01-02. Review status: criteria provided, single submitter. Criteria: Invitae Variant Classification Sherloc (09022015). Collection method: clinical testing. Allele origin: germline.

CeGaT Center for Human Genetics Tuebingen
Classification: Likely benign. Last evaluated: 2024-11-01. Review status: criteria provided, single submitter. Criteria: CeGaT Center For Human Genetics Tuebingen Variant Classification Criteria Version 2. Collection method: clinical testing. Allele origin: germline. Affected: yes. Observed: 2 variant alleles.
Comment: WDR1: BP4, BP7, BS1

Breakthrough Genomics
Classification: Benign. Review status: criteria provided, single submitter. Criteria: ACMG Guidelines, 2015. Collection method: not provided. Allele origin: germline. Inheritance: Autosomal recessive inheritance. Affected: yes.

NM_017491.5(WDR1):c.1266G>A (p.Val422=)

Gene: WDR1 (WD repeat domain 1; minus strand). Cytogenetic location: 4p16.1.
Variant type: single nucleotide variant.
Coding change: c.1266G>A on transcript NM_017491.5 (MANE Select); coding-DNA position 1266, G replaced by A.
Protein change: p.Val422=; no amino-acid change (valine 422 retained).
Molecular consequence: synonymous variant.
Genome position (GRCh38, 1-based): chr4:10,081,375, C>T on the plus strand (G>A on the coding strand, the complement: WDR1 is on the minus strand). VCF-style: chr4-10081375-C-T. GRCh37 (hg19) VCF-style: chr4-10082999-C-T.
Other names: c.846G>A, p.Val282= (NM_005112.5).
Identifiers: ClinVar variation 1167805 (VCV001167805.32), dbSNP rs77687333, ClinGen allele CA2857656.